The following is an entry in ClinVar:

ClinVar aggregate classification (germline): Pathogenic (1 of 4 stars; one submission).

Submission:

CeGaT Center for Human Genetics Tuebingen
Classification: Pathogenic. Last evaluated: 2022-07-01. Review status: criteria provided, single submitter. Criteria: CeGaT Center For Human Genetics Tuebingen Variant Classification Criteria Version 2. Collection method: clinical testing. Allele origin: germline. Affected: yes. Observed: 1 variant allele.
Comment: CREBBP: PS2, PM1, PM2, PP2, PP3

NM_004380.3(CREBBP):c.5439C>G (p.Asn1813Lys)

Gene: CREBBP (CREB binding lysine acetyltransferase; minus strand). Cytogenetic location: 16p13.3.
Variant type: single nucleotide variant.
Coding change: c.5439C>G on transcript NM_004380.3 (MANE Select); coding-DNA position 5439, C replaced by G.
Protein change: p.Asn1813Lys; replaces asparagine 1813 with lysine.
Molecular consequence: missense variant.
Genome position (GRCh38, 1-based): chr16:3,729,608, G>C on the plus strand (C>G on the coding strand, the complement: CREBBP is on the minus strand). VCF-style: chr16-3729608-G-C. GRCh37 (hg19) VCF-style: chr16-3779609-G-C.
Other names: c.5325C>G, p.Asn1775Lys (NM_001079846.1); short protein forms N1775K, N1813K.
Identifiers: ClinVar variation 1701277 (VCV001701277.31), dbSNP rs372253007, ClinGen allele CA394556389.
Genomic context (GRCh38, chr16:3,729,608, plus strand): 5'-GCAGTGCTTGGCGTGGTAGCAGCAGAGGGCGATGAGCTGCTTGCACACCGGGCAGCCCCC[G>C]TTGGTCTTGCGTTTGCAGCCCTTGGTGTGCTGCACCACCCGCTTCATCTTCTGGCAGGAT-3'
Protein context (NP_004371.2, residues 1803-1823): QHTKGCKRKT[Asn1813Lys]GGCPVCKQLI